The following is an entry in ClinVar:

ClinVar aggregate classification (germline): Likely benign. Review status: criteria provided, multiple submitters, no conflicts (2 of 4 stars). 4 submissions from 4 submitters: Likely benign (3). 1 of the submissions does not count toward it. Last evaluated 2026-01-19.

Conditions:
Niemann-Pick disease, type C1. Also called: NEUROVISCERAL STORAGE DISEASE WITH VERTICAL SUPRANUCLEAR OPHTHALMOPLEGIA; NIEMANN-PICK DISEASE WITH CHOLESTEROL ESTERIFICATION BLOCK; NIEMANN-PICK DISEASE WITHOUT SPHINGOMYELINASE DEFICIENCY; NIEMANN-PICK DISEASE, CHRONIC NEURONOPATHIC FORM; NIEMANN-PICK DISEASE, VARIANT TYPE C1. Identifiers: Orphanet 646, MedGen C3179455, MONDO:0009757, OMIM 257220.
NPC1-related disorder. Also called: NPC1-related condition.

gnomAD v4.1: 82 of 1,359,482 alleles (0.006%); highest among the groups gnomAD compares: Admixed American, 0.073%; 7 homozygotes.

Submissions (4):

Labcorp Genetics (formerly Invitae), Labcorp
Classification: Likely benign for Niemann-Pick disease, type C1. Last evaluated: 2026-01-19. Review status: criteria provided, single submitter. Criteria: Invitae Variant Classification Sherloc (09022015). Collection method: clinical testing. Allele origin: germline.

Blueprint Genetics
Classification: Likely benign. Last evaluated: 2023-02-22. Review status: criteria provided, single submitter. Criteria: ACMG Guidelines, 2015. Collection method: clinical testing. Allele origin: germline.

Fulgent Genetics
Classification: Likely benign for Niemann-Pick disease, type C1. Last evaluated: 2021-10-26. Review status: criteria provided, single submitter. Criteria: ACMG Guidelines, 2015. Collection method: clinical testing. Allele origin: unknown.

PreventionGenetics, part of Exact Sciences
Classification: Likely benign for NPC1-related condition. Last evaluated: 2021-09-24. Review status: no assertion criteria provided. Collection method: clinical testing. Allele origin: germline. Not counted in ClinVar's aggregate classification.
Comment: This variant is classified as likely benign based on ACMG/AMP sequence variant interpretation guidelines (Richards et al. 2015 PMID: 25741868, with internal and published modifications).

NM_000271.5(NPC1):c.1947+13G>C

Gene: NPC1 (NPC intracellular cholesterol transporter 1; minus strand). Cytogenetic location: 18q11.2.
Variant type: single nucleotide variant.
Coding change: c.1947+13G>C on transcript NM_000271.5 (MANE Select); 13 bases into the intron after coding-DNA position 1947, G replaced by C.
Molecular consequence: intron variant.
Genome position (GRCh38, 1-based): chr18:23,544,947, C>G on the plus strand (G>C on the coding strand, the complement: NPC1 is on the minus strand). VCF-style: chr18-23544947-C-G. GRCh37 (hg19) VCF-style: chr18-21124911-C-G.
Other names: c.1947+13G>C (NM_000271.4).
Identifiers: ClinVar variation 1543031 (VCV001543031.12), dbSNP rs568769965, ClinGen allele CA8913305.